The following is an entry in ClinVar:

ClinVar aggregate classification (germline): Uncertain significance. Review status: criteria provided, multiple submitters, no conflicts (2 of 4 stars). 4 submissions from 4 submitters: Uncertain significance (4). Last evaluated 2026-04-14.

Conditions:
Progressive familial intrahepatic cholestasis type 2. Identifiers: Orphanet 79304, MedGen C3489789, MONDO:0011156, OMIM 601847.
Familial intrahepatic cholestasis. Identifiers: Orphanet 284385, MedGen CN296401, MONDO:0017290.

Allele frequency attached by ClinVar (database versions not stated): gnomAD exomes 0.00001; gnomAD 0.00002; TOPMed 0.00002.
gnomAD v4.1: 16 of 1,612,988 alleles (0.00099%); highest among the groups gnomAD compares: African/African-American, 0.0013%; no homozygotes.

Submissions (4):

Genomenon, Inc
Classification: Uncertain significance for Familial intrahepatic cholestasis. Last evaluated: 2026-04-14. Review status: criteria provided, single submitter. Criteria: Genomenon Sequence Variant Interpretation Standards - Updated. Collection method: curation. Allele origin: germline. Affected: yes.
Comment: ABCB11 p.Ile528Thr (c.1583T>C) is a missense variant that changes the amino acid at residue 528 from Isoleucine to Threonine. This variant has been observed in at least one proband with an ABCB11-related disorder (PMID:32808743;32087350;26382629). It is absent or not present at a significant frequency in gnomAD. In silico models predict that this variant is possibly or probably damaging. In conclusion, we classify ABCB11 p.Ile528Thr (c.1583T>C) as a variant of uncertain significance.

Women's Health and Genetics/Laboratory Corporation of America, LabCorp
Classification: Uncertain significance. Last evaluated: 2025-03-31. Review status: criteria provided, single submitter. Criteria: LabCorp Variant Classification Summary - May 2015. Collection method: clinical testing. Allele origin: germline.
Comment: Variant summary: ABCB11 c.1583T>C (p.Ile528Thr) results in a non-conservative amino acid change in the encoded protein sequence. Four of four in-silico tools predict a damaging effect of the variant on protein function. The variant allele was found at a frequency of 1e-05 in 1606002 control chromosomes. This frequency is not higher than estimated for a pathogenic variant in ABCB11 causing Familial Intrahepatic Cholestasis (0.0022), allowing no conclusion about variant significance. The variant, c.1583T>C, has been reported in the literature in individuals affected with Familial Intrahepatic Cholestasis (e.g. Li_2015, Wang_2019, Li_2020, van Wessel_2020). These data indicate that the variant may be associated with disease. To our knowledge, no experimental evidence demonstrating an impact on protein function has been reported. The following publications have been ascertained in the context of this evaluation (PMID: 26382629, 31450232, 32808743, 32087350). ClinVar contains an entry for this variant (Variation ID: 289542). Based on the evidence outlined above, the variant was classified as VUS-possibly pathogenic.

Broad Center for Mendelian Genomics, Broad Institute of MIT and Harvard
Classification: Uncertain significance for Progressive familial intrahepatic cholestasis type 2. Last evaluated: 2025-01-27. Review status: criteria provided, single submitter. Criteria: ACMG Guidelines, 2015. Collection method: curation. Allele origin: germline. Inheritance: Autosomal recessive inheritance.
Comment: The p.Ile528Thr variant in ABCB11 has been reported in at least 2 individuals with BSEP deficiency (PMID: 26382629, 32808743, doi.org_10.33612_diss.133430251), and has been identified in 0.001% (1/74850) of African/African American chromosomes by the Genome Aggregation Database (gnomAD; dbSNP rs886044201). Although this variant has been seen in the general population in a heterozygous state, its frequency is low enough to be consistent with a recessive carrier frequency. This variant has also been reported in ClinVar (Variation ID: 289542) and has been interpreted as a variant of uncertain significance by Eurofins Ntd Llc. Of the affected individuals, two were homozygotes, which increases the likelihood that the p.Ile528Thr variant is pathogenic (PMID: 26382629, doi.org_10.33612_diss.133430251). Computational prediction tools and conservation analyses suggest that this variant may impact the protein, though this information is not predictive enough to determine pathogenicity. In summary, the clinical significance of the p.Ile528Thr variant is uncertain. ACMG/AMP Criteria applied: PP3_moderate, PM3, PM2_supporting (Richards 2015).

Eurofins Ntd Llc (ga)
Classification: Uncertain significance. Last evaluated: 2018-06-19. Review status: criteria provided, single submitter. Criteria: EGL ClinVar v180209 classification definitions. Collection method: clinical testing. Allele origin: germline. Observed: 2 variant alleles, 2 heterozygotes.

Literature cited by the submitters: PubMed 32808743 (cited by Genomenon, Inc and Women's Health and Genetics/Laboratory Corporation of America, LabCorp); PubMed 32087350 (cited by Genomenon, Inc and Women's Health and Genetics/Laboratory Corporation of America, LabCorp); PubMed 26382629 (cited by 3 submitters); PubMed 31450232 (cited by Women's Health and Genetics/Laboratory Corporation of America, LabCorp).

NM_003742.4(ABCB11):c.1583T>C (p.Ile528Thr)

Gene: ABCB11 (ATP binding cassette subfamily B member 11; minus strand). Cytogenetic location: 2q31.1.
Variant type: single nucleotide variant.
Coding change: c.1583T>C on transcript NM_003742.4 (MANE Select); coding-DNA position 1583, T replaced by C.
Protein change: p.Ile528Thr; replaces isoleucine 528 with threonine.
Molecular consequence: missense variant.
Genome position (GRCh38, 1-based): chr2:168,971,902, A>G on the plus strand (T>C on the coding strand, the complement: ABCB11 is on the minus strand). VCF-style: chr2-168971902-A-G. GRCh37 (hg19) VCF-style: chr2-169828412-A-G.
Other names: NM_003742.4(ABCB11):c.1583T>C; p.Ile528Thr; c.1583T>C, p.Ile528Thr (LRG_1199t1); short protein forms I528T.
Identifiers: ClinVar variation 289542 (VCV000289542.7), dbSNP rs886044201, ClinGen allele CA10606475.